The following is an entry in ClinVar:

NM_021625.5(TRPV4):c.1171_1172del (p.Arg391fs)

Gene: TRPV4 (transient receptor potential cation channel subfamily V member 4; minus strand). Cytogenetic location: 12q24.11.
Variant type: Deletion.
Coding change: c.1171_1172del on transcript NM_021625.5 (MANE Select); coding-DNA positions 1171 to 1172, 2 bases deleted (CG; older notation c.1171_1172delCG).
Protein change: p.Arg391fs; shifts the reading frame from arginine 391.
Molecular consequence: frameshift variant. On other transcripts: intron variant (2).
Genome position (GRCh38, 1-based): chr12:109,796,685-109,796,686, CG deleted on the plus strand (CG on the coding strand, the reverse complement: TRPV4 is on the minus strand). VCF-style (leftmost placement, unchanged base first): chr12-109796684-CCG-C. GRCh37 (hg19) VCF-style: chr12-110234489-CCG-C.
Other names: c.1030_1031delCG, p.Arg344Alafs (NM_001177428.2); c.1069_1070delCG, p.Arg357Alafs (NM_001177431.2); c.1011+1928_1011+1929del (NM_001177433.1); c.1152+1928_1152+1929del (NM_147204.2); short protein forms R344fs, R357fs, R391fs.
Identifiers: ClinVar variation 4535142 (VCV004535142.6).
Genomic context (GRCh38, chr12:109,796,684, plus strand): 5'-ATAGGCCCAGTCCTTGAACTTGCGGGACAGGTGCCGTGTGTCCTCATCCGTCACCTCCCG[CCG>C]GATGATGTGCTGAAAGATCTGCACAGGGGGCCAGGAGGGTCAGGGGGCTCACACTGGAAA-3'

ClinVar aggregate classification (germline): Uncertain significance (1 of 4 stars; one submission).

Submission:

CeGaT Center for Human Genetics Tuebingen
Classification: Uncertain significance. Last evaluated: 2025-11-01. Review status: criteria provided, single submitter. Criteria: CeGaT Center For Human Genetics Tuebingen Variant Classification Criteria Version 2. Collection method: clinical testing. Allele origin: germline. Affected: yes. Observed: 1 variant allele.
Comment: TRPV4: PM2, PVS1:Moderate